The following is an entry in ClinVar:

NM_153809.2(TAF1L):c.767G>C (p.Gly256Ala)

Gene: TAF1L (TATA-box binding protein associated factor 1 like; minus strand). Cytogenetic location: 9p21.1.
Variant type: single nucleotide variant.
Coding change: c.767G>C on transcript NM_153809.2 (MANE Select); coding-DNA position 767, G replaced by C.
Protein change: p.Gly256Ala; replaces glycine 256 with alanine.
Molecular consequence: missense variant.
Genome position (GRCh38, 1-based): chr9:32,634,813, C>G on the plus strand (G>C on the coding strand, the complement: TAF1L is on the minus strand). VCF-style: chr9-32634813-C-G. GRCh37 (hg19) VCF-style: chr9-32634811-C-G.
Other names: short protein forms G256A.
Identifiers: ClinVar variation 2659144 (VCV002659144.24), dbSNP rs55991718, ClinGen allele CA5021838.
Genomic context (GRCh38, chr9:32,634,813, plus strand): 5'-CGCCAAACAGATGGGACATTCTTCCCTGGTCCAAAAAGATGTAGGAAGCGTAACACTTTT[C>G]CAGGTCGAAATTCTGGAAAAAGTTCGGTGACACTTGGCAACAGCTTGGTGGCATCATGCT-3'
Protein context (NP_722516.1, residues 246-266): VTELFPEFRP[Gly256Ala]KVLRFLHLFG

ClinVar aggregate classification (germline): Benign (1 of 4 stars; one submission).

Allele frequency attached by ClinVar (database versions not stated): 1000 Genomes Project 0.00339; TOPMed 0.00450; ESP Exome Variant Server 0.00561; ExAC 0.00684; gnomAD 0.00687; gnomAD exomes 0.00774.
gnomAD v4.1: 12,214 of 1,614,154 alleles (0.76%); highest among the groups gnomAD compares: Non-Finnish European, 0.81%; 58 homozygotes.

Submission:

CeGaT Center for Human Genetics Tuebingen
Classification: Benign. Last evaluated: 2023-09-01. Review status: criteria provided, single submitter. Criteria: CeGaT Center For Human Genetics Tuebingen Variant Classification Criteria Version 2. Collection method: clinical testing. Allele origin: germline. Affected: yes. Observed: 1 variant allele.
Comment: TAF1L: BP4, BS1, BS2